The following is an entry in ClinVar:

NM_183357.3(ADCY5):c.3550G>A (p.Val1184Met)

Gene: ADCY5 (adenylate cyclase 5; minus strand). Cytogenetic location: 3q21.1.
Variant type: single nucleotide variant.
Coding change: c.3550G>A on transcript NM_183357.3 (MANE Select); coding-DNA position 3550, G replaced by A.
Protein change: p.Val1184Met; replaces valine 1184 with methionine.
Molecular consequence: missense variant.
Genome position (GRCh38, 1-based): chr3:123,286,792, C>T on the plus strand (G>A on the coding strand, the complement: ADCY5 is on the minus strand). VCF-style: chr3-123286792-C-T. GRCh37 (hg19) VCF-style: chr3-123005639-C-T.
Other names: c.2500G>A, p.Val834Met (NM_001199642.1); c.3625G>A, p.Val1209Met (NM_001378259.1); short protein forms V1184M, V1209M, V834M.
Identifiers: ClinVar variation 1698004 (VCV001698004.2), dbSNP rs758210719, ClinGen allele CA2576737.

ClinVar aggregate classification (germline): Uncertain significance (1 of 4 stars; one submission).

Allele frequency attached by ClinVar (database versions not stated): gnomAD exomes below 0.00001 and 0.00001; ExAC 0.00001; gnomAD 0.00001; TOPMed 0.00001.
gnomAD v4.1: 9 of 1,608,832 alleles (0.00056%); highest among the groups gnomAD compares: South Asian, 0.0011%; no homozygotes.

Submission:

GeneDx
Classification: Uncertain significance. Last evaluated: 2022-01-20. Review status: criteria provided, single submitter. Criteria: GeneDx Variant Classification Process June 2021. Collection method: clinical testing. Allele origin: germline. Affected: yes.
Comment: Not observed at significant frequency in large population cohorts (gnomAD); In silico analysis supports that this missense variant has a deleterious effect on protein structure/function; Has not been previously published as pathogenic or benign to our knowledge